The following is an entry in ClinVar:

ClinVar aggregate classification (germline): Benign/Likely benign. Review status: criteria provided, multiple submitters, no conflicts (2 of 4 stars). 3 submissions from 3 submitters: Benign (1); Likely benign (2). Last evaluated 2024-04-05.

Conditions:
Hereditary cancer-predisposing syndrome. Also called: Tumor predisposition; Neoplastic Syndromes, Hereditary; Hereditary neoplastic syndrome; Hereditary Cancer Syndrome. Identifiers: Orphanet 140162, MedGen C0027672, MeSH D009386, MONDO:0015356.
Familial adenomatous polyposis 1 (FAP1). Also called: FAMILIAL ADENOMATOUS POLYPOSIS 1, ATTENUATED; POLYPOSIS, ADENOMATOUS INTESTINAL. Identifiers: MedGen C2713442, MONDO:0021056, OMIM 175100. Disease mechanism: loss of function.

gnomAD v4.1: 1 of 1,613,794 alleles (0.000062%); highest among the groups gnomAD compares: Non-Finnish European, 0.000085%; no homozygotes.

Submissions (3):

Myriad Genetics, Inc.
Classification: Benign for Familial adenomatous polyposis 1. Last evaluated: 2024-04-05. Review status: criteria provided, single submitter. Criteria: Myriad Autosomal Dominant, Autosomal Recessive and X-Linked Classification Criteria (2023). Collection method: clinical testing. Allele origin: unknown.
Comment: This variant is considered benign. This variant is a silent/synonymous amino acid change and it is not expected to impact splicing.

Ambry Genetics
Classification: Likely benign for Hereditary cancer-predisposing syndrome. Last evaluated: 2023-01-12. Review status: criteria provided, single submitter. Criteria: Ambry Variant Classification Scheme 2023. Collection method: clinical testing. Allele origin: germline.

Labcorp Genetics (formerly Invitae), Labcorp
Classification: Likely benign for Familial adenomatous polyposis 1. Last evaluated: 2019-11-12. Review status: criteria provided, single submitter. Criteria: Invitae Variant Classification Sherloc (09022015). Collection method: clinical testing. Allele origin: germline.

NM_000038.6(APC):c.6627T>A (p.Ile2209=)

Gene: APC (APC regulator of Wnt signaling pathway; plus strand). Cytogenetic location: 5q22.2.
Variant type: single nucleotide variant.
Coding change: c.6627T>A on transcript NM_000038.6 (MANE Select); coding-DNA position 6627, T replaced by A.
Protein change: p.Ile2209=; no amino-acid change (isoleucine 2209 retained).
Molecular consequence: synonymous variant.
Genome position (GRCh38, 1-based): chr5:112,842,221, T>A. VCF-style: chr5-112842221-T-A. GRCh37 (hg19) VCF-style: chr5-112177918-T-A.
Other names: c.6324T>A, p.Ile2108= (NM_001354903.2); c.6249T>A, p.Ile2083= (NM_001354904.2); c.6147T>A, p.Ile2049= (NM_001354905.2); c.5778T>A, p.Ile1926= (NM_001354906.2); c.6627T>A (NM_000038.5); c.6627T>A, p.Ile2209= (NM_001127510.3, NM_001354895.2); c.6573T>A, p.Ile2191= (NM_001127511.3); c.6681T>A, p.Ile2227= (NM_001354896.2); and 6 more.
Identifiers: ClinVar variation 1151236 (VCV001151236.13), dbSNP rs2149969232, ClinGen allele CA446209858.
Genomic context (GRCh38, chr5:112,842,221, plus strand): 5'-AGGAGGAAAAAAAGTTTATAAAAGTTTGATTACTGGAAAAGTTCGATCTAATTCAGAAAT[T>A]TCAGGCCAAATGAAACAGCCCCTTCAAGCAAACATGCCTTCAATCTCTCGAGGCAGGACA-3'
Protein context (NP_000029.2, residues 2199-2219): ITGKVRSNSE[Ile2209=]SGQMKQPLQA